The following is an entry in ClinVar:

NM_000393.5(COL5A2):c.3338G>T (p.Gly1113Val)

Gene: COL5A2 (collagen type V alpha 2 chain; minus strand). Cytogenetic location: 2q32.2.
Variant type: single nucleotide variant.
Coding change: c.3338G>T on transcript NM_000393.5 (MANE Select); coding-DNA position 3338, G replaced by T.
Protein change: p.Gly1113Val; replaces glycine 1113 with valine.
Molecular consequence: missense variant.
Genome position (GRCh38, 1-based): chr2:189,045,204, C>A on the plus strand (G>T on the coding strand, the complement: COL5A2 is on the minus strand). VCF-style: chr2-189045204-C-A. GRCh37 (hg19) VCF-style: chr2-189909930-C-A.
Other names: short protein forms G1113V.
Identifiers: ClinVar variation 519684 (VCV000519684.8), dbSNP rs981465775, ClinGen allele CA62589341.

ClinVar aggregate classification (germline): Uncertain significance. Review status: criteria provided, multiple submitters, no conflicts (2 of 4 stars). 2 submissions from 2 submitters: Uncertain significance (2). Last evaluated 2023-07-27.

Conditions:
Familial thoracic aortic aneurysm and aortic dissection (TAAD). Also called: Thoracic aortic aneurysms and dissections. Identifiers: Orphanet 91387, MedGen C4707243, MONDO:0019625.
Ehlers-Danlos syndrome, classic type, 1 (EDSCL1). Also called: Ehlers-Danlos Syndrome, Classic Type, COL5A1-Related; EDS I; Ehlers-Danlos syndrome, type 1; EHLERS-DANLOS SYNDROME, GRAVIS TYPE; EHLERS-DANLOS SYNDROME, SEVERE CLASSIC TYPE. Identifiers: MedGen C0268335, MONDO:0019567, OMIM 130000.

Allele frequency attached by ClinVar (database versions not stated): gnomAD exomes below 0.00001 and 0.00001.
gnomAD v4.1: 3 of 1,606,578 alleles (0.00019%); highest among the groups gnomAD compares: Admixed American, 0.0017%; no homozygotes.

Submissions (2):

Labcorp Genetics (formerly Invitae), Labcorp
Classification: Uncertain significance for Ehlers-Danlos syndrome, classic type, 1. Last evaluated: 2023-07-27. Review status: criteria provided, single submitter. Criteria: Invitae Variant Classification Sherloc (09022015). Collection method: clinical testing. Allele origin: germline.
Comment: In summary, the available evidence is currently insufficient to determine the role of this variant in disease. Therefore, it has been classified as a Variant of Uncertain Significance. Advanced modeling of protein sequence and biophysical properties (such as structural, functional, and spatial information, amino acid conservation, physicochemical variation, residue mobility, and thermodynamic stability) performed at Invitae indicates that this missense variant is expected to disrupt COL5A2 protein function. ClinVar contains an entry for this variant (Variation ID: 519684). This variant has not been reported in the literature in individuals affected with COL5A2-related conditions. This variant is present in population databases (no rsID available, gnomAD 0.003%). This sequence change replaces glycine, which is neutral and non-polar, with valine, which is neutral and non-polar, at codon 1113 of the COL5A2 protein (p.Gly1113Val).

Ambry Genetics
Classification: Uncertain significance for Familial thoracic aortic aneurysm and aortic dissection. Last evaluated: 2017-03-29. Review status: criteria provided, single submitter. Criteria: Ambry Variant Classification Scheme 2023. Collection method: clinical testing. Allele origin: germline.
Comment: The p.G1113V variant (also known as c.3338G>T), located in coding exon 47 of the COL5A2 gene, results from a G to T substitution at nucleotide position 3338. The glycine at codon 1113 is replaced by valine, an amino acid with dissimilar properties. This amino acid position is highly conserved in available vertebrate species. In addition, this alteration is predicted to be deleterious by in silico analysis. Since supporting evidence is limited at this time, the clinical significance of this alteration remains unclear.